The following is an entry in ClinVar:

ClinVar aggregate classification (germline): Pathogenic/Likely pathogenic. Review status: criteria provided, multiple submitters, no conflicts (2 of 4 stars). 2 submissions from 2 submitters: Pathogenic (1); Likely pathogenic (1). Last evaluated 2019-03-15.

Conditions:
Ichthyosis vulgaris. Also called: Dominant ichthyosis vulgaris; ICHTHYOSIS SIMPLEX. Identifiers: MedGen C0079584, MONDO:0024304, OMIM 146700.
Dermatitis, atopic, 2. Identifiers: MedGen C1853965, MONDO:0011596, OMIM 605803.

Allele frequency attached by ClinVar (database versions not stated): gnomAD 0.00001.
gnomAD v4.1: 25 of 1,614,070 alleles (0.0015%); highest among the groups gnomAD compares: East Asian, 0.0089%; no homozygotes.

Submissions (2):

GeneDx
Classification: Pathogenic. Last evaluated: 2019-03-15. Review status: criteria provided, single submitter. Criteria: GeneDx Variant Classification (06012015). Collection method: clinical testing. Allele origin: germline. Affected: yes.
Comment: The W1947X variant in the FLG gene has been reported previously in an individual with atopic dermatitis (Park et al., 2015). This variant is predicted to cause loss of normal protein function through protein truncation. The W1947X variant is observed in 7/246256 (0.003%) alleles in large population cohorts (Lek et al., 2016). We interpret W1947X as a pathogenic variant

Juno Genomics, Hangzhou Juno Genomics, Inc
Classification: Likely pathogenic for Dermatitis, atopic, 2; Ichthyosis vulgaris. Review status: criteria provided, single submitter. Criteria: ACMG Guidelines, 2015. Collection method: clinical testing. Allele origin: germline. Affected: yes.
Comment: Absent from controls (or at extremely low frequency if recessive) in Genome Aggregation Database.;Null variant in a gene where loss of function (LOF) is a known mechanism of disease.;For recessive disorders, detected in trans with a pathogenic variant.;Patient's phenotype or family history is highly specific for a disease with a single genetic etiology.

NM_002016.2(FLG):c.5841G>A (p.Trp1947Ter)

Genes: CCDST (cervical cancer associated DHX9 suppressive transcript; plus strand), FLG (filaggrin; minus strand). Cytogenetic location: 1q21.3.
Variant type: single nucleotide variant.
Coding change: c.5841G>A on transcript NM_002016.2 (MANE Select); coding-DNA position 5841, G replaced by A.
Protein change: p.Trp1947Ter; replaces tryptophan 1947 with a stop codon.
Molecular consequence: nonsense.
Genome position (GRCh38, 1-based): chr1:152,309,045, C>T on the plus strand (G>A on the coding strand, the complement: FLG is on the minus strand). VCF-style: chr1-152309045-C-T. GRCh37 (hg19) VCF-style: chr1-152281521-C-T.
Other names: short protein forms W1947*.
Identifiers: ClinVar variation 816950 (VCV000816950.2), dbSNP rs748135905, ClinGen allele CA1105561.